The following is an entry in ClinVar:

ClinVar aggregate classification (germline): Pathogenic (1 of 4 stars; one submission).

Conditions:
Hereditary cancer-predisposing syndrome. Also called: Tumor predisposition; Hereditary neoplastic syndrome; Hereditary Cancer Syndrome; Neoplastic Syndromes, Hereditary. Identifiers: Orphanet 140162, MedGen C0027672, MeSH D009386, MONDO:0015356.

Submission:

Ambry Genetics
Classification: Pathogenic for Hereditary cancer-predisposing syndrome. Last evaluated: 2023-12-05. Review status: criteria provided, single submitter. Criteria: Ambry Variant Classification Scheme 2023. Collection method: clinical testing. Allele origin: germline.
Comment: The c.3068_3069delAC pathogenic mutation, located in coding exon 22 of the MSH3 gene, results from a deletion of two nucleotides at nucleotide positions 3068 to 3069, causing a translational frameshift with a predicted alternate stop codon (p.H1023Pfs*13). This alteration is expected to result in loss of function by premature protein truncation or nonsense-mediated mRNA decay. As such, this alteration is interpreted as a disease-causing mutation.

NM_002439.5(MSH3):c.3068_3069del (p.His1023fs)

Gene: MSH3 (mutS homolog 3; plus strand). Cytogenetic location: 5q14.1.
Variant type: Microsatellite.
Coding change: c.3068_3069del on transcript NM_002439.5 (MANE Select); coding-DNA positions 3068 to 3069, 2 bases deleted (AC; older notation c.3068_3069delAC).
Protein change: p.His1023fs; shifts the reading frame from histidine 1023.
Molecular consequence: frameshift variant.
Genome position (GRCh38, 1-based): chr5:80,864,880-80,864,881, AC deleted; deleting any 2 consecutive bases within chr5:80,864,877-80,864,881 gives the same sequence; the c. name uses the placement nearest the transcript's 3' end. VCF-style (leftmost placement, unchanged base first): chr5-80864876-TCA-T. GRCh37 (hg19) VCF-style: chr5-80160695-TCA-T.
Other names: short protein forms H1023fs.
Identifiers: ClinVar variation 3222283 (VCV003222283.1), dbSNP rs2478789216, ClinGen allele CA2825001440.